The following is an entry in ClinVar:

NM_000821.7(GGCX):c.583G>A (p.Val195Met)

Gene: GGCX (gamma-glutamyl carboxylase; minus strand). Cytogenetic location: 2p11.2.
Variant type: single nucleotide variant.
Coding change: c.583G>A on transcript NM_000821.7 (MANE Select); coding-DNA position 583, G replaced by A.
Protein change: p.Val195Met; replaces valine 195 with methionine.
Molecular consequence: missense variant.
Genome position (GRCh38, 1-based): chr2:85,556,217, C>T on the plus strand (G>A on the coding strand, the complement: GGCX is on the minus strand). VCF-style: chr2-85556217-C-T. GRCh37 (hg19) VCF-style: chr2-85783340-C-T.
Other names: c.412G>A, p.Val138Met (NM_001142269.4); short protein forms V138M, V195M.
Identifiers: ClinVar variation 4698977 (VCV004698977.1).

ClinVar aggregate classification (germline): Uncertain significance (1 of 4 stars; one submission).

gnomAD v4.1: 8 of 1,613,090 alleles (0.0005%); highest among the groups gnomAD compares: South Asian, 0.0033%; no homozygotes.

Submission:

Labcorp Genetics (formerly Invitae), Labcorp
Classification: Uncertain significance. Last evaluated: 2025-03-22. Review status: criteria provided, single submitter. Criteria: Invitae Variant Classification Sherloc (09022015). Collection method: clinical testing. Allele origin: germline.
Comment: This sequence change replaces valine, which is neutral and non-polar, with methionine, which is neutral and non-polar, at codon 195 of the GGCX protein (p.Val195Met). This variant is present in population databases (rs371032095, gnomAD 0.007%). This variant has not been reported in the literature in individuals affected with GGCX-related conditions. Invitae Evidence Modeling of protein sequence and biophysical properties (such as structural, functional, and spatial information, amino acid conservation, physicochemical variation, residue mobility, and thermodynamic stability) indicates that this missense variant is expected to disrupt GGCX protein function with a positive predictive value of 80%. In summary, the available evidence is currently insufficient to determine the role of this variant in disease. Therefore, it has been classified as a Variant of Uncertain Significance.